The following is an entry in ClinVar:

NM_004667.6(HERC2):c.9515-12T>A

Gene: HERC2 (HECT and RLD domain containing E3 ubiquitin protein ligase 2; minus strand). Cytogenetic location: 15q13.1.
Variant type: single nucleotide variant.
Coding change: c.9515-12T>A on transcript NM_004667.6 (MANE Select); 12 bases into the intron before coding-DNA position 9515, T replaced by A.
Molecular consequence: intron variant.
Genome position (GRCh38, 1-based): chr15:28,176,611, A>T on the plus strand (T>A on the coding strand, the complement: HERC2 is on the minus strand). VCF-style: chr15-28176611-A-T. GRCh37 (hg19) VCF-style: chr15-28421757-A-T.
Identifiers: ClinVar variation 1318729 (VCV001318729.2), dbSNP rs2140153846, ClinGen allele CA2573053981.

ClinVar aggregate classification (germline): Uncertain significance (1 of 4 stars; one submission).

Submission:

GeneDx
Classification: Uncertain significance. Last evaluated: 2021-04-14. Review status: criteria provided, single submitter. Criteria: GeneDx Variant Classification Process June 2021. Collection method: clinical testing. Allele origin: germline. Affected: yes.
Comment: Not observed in large population cohorts (Lek et al., 2016); In silico analysis supports a deleterious effect on splicing; Has not been previously published as pathogenic or benign to our knowledge